The following is an entry in ClinVar:

NM_003072.5(SMARCA4):c.2438+10C>T

Gene: SMARCA4 (SWI/SNF related BAF chromatin remodeling complex subunit ATPase 4; plus strand). Cytogenetic location: 19p13.2.
Variant type: single nucleotide variant.
Coding change: c.2438+10C>T on transcript NM_003072.5 (MANE Select); 10 bases into the intron after coding-DNA position 2438, C replaced by T.
Molecular consequence: intron variant.
Genome position (GRCh38, 1-based): chr19:11,013,122, C>T. VCF-style: chr19-11013122-C-T. GRCh37 (hg19) VCF-style: chr19-11123798-C-T.
Other names: c.2438+10C>T (NM_001128844.3, NM_001128849.3, NM_001128847.4 and 5 more transcripts).
Identifiers: ClinVar variation 212241 (VCV000212241.19), dbSNP rs370782232, ClinGen allele CA209557.

ClinVar aggregate classification (germline): Conflicting classifications of pathogenicity. Review status: criteria provided, conflicting classifications (1 of 4 stars). 6 submissions from 6 submitters: Uncertain significance (1); Benign (1); Likely benign (4). Last evaluated 2026-07-13.

Conditions:
Intellectual disability, autosomal dominant 16 (CSS4). Also called: COFFIN-SIRIS SYNDROME 4. Identifiers: Orphanet 1465, MedGen C3553249, MONDO:0013821, OMIM 614609.
Rhabdoid tumor predisposition syndrome 2 (RTPS2). Identifiers: Orphanet 231108, Orphanet 69077, MedGen C2750074, MONDO:0013224, OMIM 613325.
Hereditary cancer-predisposing syndrome. Also called: Neoplastic Syndromes, Hereditary; Tumor predisposition; Hereditary Cancer Syndrome; Hereditary neoplastic syndrome. Identifiers: Orphanet 140162, MedGen C0027672, MeSH D009386, MONDO:0015356.

Allele frequency attached by ClinVar (database versions not stated): gnomAD 0.00006; TOPMed 0.00006; gnomAD exomes 0.00006; ESP Exome Variant Server 0.00015.
gnomAD v4.1: 54 of 1,613,634 alleles (0.0033%); highest among the groups gnomAD compares: Admixed American, 0.013%; no homozygotes.

Submissions (6):

Myriad Genetics, Inc.
Classification: Benign for Rhabdoid tumor predisposition syndrome 2. Last evaluated: 2026-07-13. Review status: criteria provided, single submitter. Criteria: Myriad Autosomal Dominant, Autosomal Recessive and X-Linked Classification Criteria (2023). Collection method: clinical testing. Allele origin: unknown.
Comment: This variant is considered benign. This variant is intronic and is not expected to impact mRNA splicing. This variant has been observed at a population frequency that is significantly greater than expected given the associated disease prevalence and penetrance.

Labcorp Genetics (formerly Invitae), Labcorp
Classification: Likely benign for Rhabdoid tumor predisposition syndrome 2. Last evaluated: 2026-01-19. Review status: criteria provided, single submitter. Criteria: Invitae Variant Classification Sherloc (09022015). Collection method: clinical testing. Allele origin: germline.

Blueprint Genetics
Classification: Likely benign. Last evaluated: 2024-07-02. Review status: criteria provided, single submitter. Criteria: ACMG Guidelines, 2015. Collection method: clinical testing. Allele origin: germline.

Genome-Nilou Lab
Classification: Likely benign for Intellectual disability, autosomal dominant 16. Last evaluated: 2021-07-15. Review status: criteria provided, single submitter. Criteria: ACMG Guidelines, 2015. Collection method: clinical testing. Allele origin: germline. Affected: no.

Sema4
Classification: Likely benign for Hereditary cancer-predisposing syndrome. Last evaluated: 2021-03-28. Review status: criteria provided, single submitter. Criteria: Sema4 Curation Guidelines. Collection method: curation. Allele origin: germline.

Genetic Services Laboratory, University of Chicago
Classification: Uncertain significance. Last evaluated: 2014-12-17. Review status: criteria provided, single submitter. Criteria: ACMG Guidelines, 2015. Collection method: clinical testing. Allele origin: germline.